The following is an entry in ClinVar:

ClinVar aggregate classification (germline): Benign/Likely benign. Review status: criteria provided, multiple submitters, no conflicts (2 of 4 stars). 3 submissions from 3 submitters: Benign (2); Likely benign (1). Last evaluated 2026-09-21.

Conditions:
DNAH5-related disorder. Also called: DNAH5-related condition.
Primary ciliary dyskinesia. Also called: Ciliary dyskinesia. Identifiers: Orphanet 244, MedGen C0008780, MONDO:0016575, HP:0012265.

Allele frequency attached by ClinVar (database versions not stated): gnomAD 0.00002 and 0.00015; TOPMed 0.00006; gnomAD exomes 0.00032 and 0.00065; ExAC 0.00079; 1000 Genomes Project 30x 0.00094; 1000 Genomes Project 0.00100.
gnomAD v4.1: 486 of 1,613,772 alleles (0.03%); highest among the groups gnomAD compares: South Asian, 0.5%; 3 homozygotes.

Submissions (3):

PreventionGenetics, part of Exact Sciences
Classification: Likely benign for DNAH5-related condition. Last evaluated: 2026-09-21. Review status: criteria provided, single submitter. Criteria: ACMG Guidelines, 2015. Collection method: clinical testing. Allele origin: germline.
Comment: This variant is classified as likely benign based on ACMG/AMP sequence variant interpretation guidelines (Richards et al. 2015 PMID: 25741868, with internal and published modifications).

Labcorp Genetics (formerly Invitae), Labcorp
Classification: Benign for Primary ciliary dyskinesia. Last evaluated: 2026-01-25. Review status: criteria provided, single submitter. Criteria: Invitae Variant Classification Sherloc (09022015). Collection method: clinical testing. Allele origin: germline.

Ambry Genetics
Classification: Benign for Primary ciliary dyskinesia. Last evaluated: 2017-05-01. Review status: criteria provided, single submitter. Criteria: Ambry Variant Classification Scheme 2023. Collection method: clinical testing. Allele origin: germline.

NM_001369.3(DNAH5):c.12694G>A (p.Asp4232Asn)

Gene: DNAH5 (dynein axonemal heavy chain 5; minus strand). Cytogenetic location: 5p15.2.
Variant type: single nucleotide variant.
Coding change: c.12694G>A on transcript NM_001369.3 (MANE Select); coding-DNA position 12694, G replaced by A.
Protein change: p.Asp4232Asn; replaces aspartic acid 4232 with asparagine.
Molecular consequence: missense variant.
Genome position (GRCh38, 1-based): chr5:13,717,326, C>T on the plus strand (G>A on the coding strand, the complement: DNAH5 is on the minus strand). VCF-style: chr5-13717326-C-T. GRCh37 (hg19) VCF-style: chr5-13717435-C-T.
Other names: short protein forms D4232N.
Identifiers: ClinVar variation 454738 (VCV000454738.15), dbSNP rs564134623, ClinGen allele CA3201566.